The following is an entry in ClinVar:

ClinVar aggregate classification (germline): Uncertain significance (1 of 4 stars; one submission).

Submission:

GeneDx
Classification: Uncertain significance. Last evaluated: 2024-03-26. Review status: criteria provided, single submitter. Criteria: GeneDx Variant Classification Process June 2021. Collection method: clinical testing. Allele origin: germline. Affected: yes.
Comment: Not observed at significant frequency in large population cohorts (gnomAD); In silico analysis supports that this missense variant has a deleterious effect on protein structure/function; Has not been previously published as pathogenic or benign to our knowledge; Also known as H490L; This variant is associated with the following publications: (PMID: 19302049)

NM_001243133.2(NLRP3):c.1469A>T (p.His490Leu)

Gene: NLRP3 (NLR family pyrin domain containing 3; plus strand). Cytogenetic location: 1q44.
Variant type: single nucleotide variant.
Coding change: c.1469A>T on transcript NM_001243133.2 (MANE Select); coding-DNA position 1469, A replaced by T.
Protein change: p.His490Leu; replaces histidine 490 with leucine.
Molecular consequence: missense variant.
Genome position (GRCh38, 1-based): chr1:247,424,918, A>T. VCF-style: chr1-247424918-A-T. GRCh37 (hg19) VCF-style: chr1-247588220-A-T.
Other names: c.1469A>T, p.His490Leu (NM_001079821.3, NM_001127461.3, NM_001127462.3 and 1 more transcripts); c.1475A>T, p.His492Leu (NM_004895.5); short protein forms H490L, H492L.
Identifiers: ClinVar variation 3371525 (VCV003371525.1).
Genomic context (GRCh38, chr1:247,424,918, plus strand): 5'-TGGCTGCAGATGGAATCTGGAACCAGAAAATCCTGTTTGAGGAGTCCGACCTCAGGAATC[A>T]TGGACTGCAGAAGGCGGATGTGTCTGCTTTCCTGAGGATGAACCTGTTCCAAAAGGAAGT-3'
Protein context (NP_001230062.1, residues 480-500): ILFEESDLRN[His490Leu]GLQKADVSAF